The following is an entry in ClinVar:

NM_207122.2(EXT2):c.1189dup (p.Glu397fs)

Gene: EXT2 (exostosin glycosyltransferase 2; plus strand). Cytogenetic location: 11p11.2.
Variant type: Duplication.
Coding change: c.1189dup on transcript NM_207122.2 (MANE Select); coding-DNA position 1189, one base duplicated (G; older notation c.1189dupG).
Protein change: p.Glu397fs; shifts the reading frame from glutamic acid 397.
Molecular consequence: frameshift variant. On other transcripts: intron variant (1).
Genome position (GRCh38, 1-based): chr11:44,171,626, G duplicated; the last of 3 consecutive G bases (chr11:44,171,624-44,171,626); duplicating any one gives the same sequence. VCF-style (leftmost placement, unchanged base first): chr11-44171623-T-TG. GRCh37 (hg19) VCF-style: chr11-44193173-T-TG.
Other names: c.1189dupG (NM_207122.1); c.1288dup, p.Glu430fs (NM_000401.3); c.1189dup, p.Glu397fs (NM_001389628.1, NM_001389630.1); c.1267-48dup (NM_001178083.3); short protein forms E430fs, E397fs.
Identifiers: ClinVar variation 661841 (VCV000661841.7), dbSNP rs1590618771, ClinGen allele CA915948141.

ClinVar aggregate classification (germline): Pathogenic (1 of 4 stars; one submission).

Conditions:
Exostoses, multiple, type 2 (EXT2). Also called: Hereditary Multiple Osteochondromatosis, Type II; EXOSTOSES, MULTIPLE, TYPE II. Identifiers: Orphanet 321, MedGen C1851413, MONDO:0007586, OMIM 133701.

Submission:

Labcorp Genetics (formerly Invitae), Labcorp
Classification: Pathogenic for Exostoses, multiple, type 2. Last evaluated: 2018-07-13. Review status: criteria provided, single submitter. Criteria: Invitae Variant Classification Sherloc (09022015). Collection method: clinical testing. Allele origin: germline.
Comment: This sequence change creates a premature translational stop signal (p.Glu397Glyfs*8) in the EXT2 gene. It is expected to result in an absent or disrupted protein product. For these reasons, this variant has been classified as Pathogenic. Loss-of-function variants in EXT2 are known to be pathogenic (PMID: 19810120). This variant has not been reported in the literature in individuals with EXT2-related disease. This variant is not present in population databases (ExAC no frequency).

Literature cited by the submitters: PubMed 19810120.